The following is an entry in ClinVar:

NM_006231.4(POLE):c.3368A>T (p.Asp1123Val)

Gene: POLE (DNA polymerase epsilon, catalytic subunit; minus strand). Cytogenetic location: 12q24.33.
Variant type: single nucleotide variant.
Coding change: c.3368A>T on transcript NM_006231.4 (MANE Select); coding-DNA position 3368, A replaced by T.
Protein change: p.Asp1123Val; replaces aspartic acid 1123 with valine.
Molecular consequence: missense variant.
Genome position (GRCh38, 1-based): chr12:132,657,878, T>A on the plus strand (A>T on the coding strand, the complement: POLE is on the minus strand). VCF-style: chr12-132657878-T-A. GRCh37 (hg19) VCF-style: chr12-133234464-T-A.
Other names: short protein forms D1123V.
Identifiers: ClinVar variation 3308409 (VCV003308409.1).

ClinVar aggregate classification (germline): Uncertain significance (1 of 4 stars; one submission).

Conditions:
Hereditary cancer-predisposing syndrome. Also called: Neoplastic Syndromes, Hereditary; Tumor predisposition; Hereditary neoplastic syndrome; Hereditary Cancer Syndrome. Identifiers: Orphanet 140162, MedGen C0027672, MeSH D009386, MONDO:0015356.

Submission:

Ambry Genetics
Classification: Uncertain significance for Hereditary cancer-predisposing syndrome. Last evaluated: 2024-05-08. Review status: criteria provided, single submitter. Criteria: Ambry Variant Classification Scheme 2023. Collection method: clinical testing. Allele origin: germline.
Comment: The p.D1123V variant (also known as c.3368A>T), located in coding exon 27 of the POLE gene, results from an A to T substitution at nucleotide position 3368. The aspartic acid at codon 1123 is replaced by valine, an amino acid with highly dissimilar properties. This amino acid position is conserved. In addition, this alteration is predicted to be deleterious by in silico analysis. Based on the available evidence, the clinical significance of this variant remains unclear.